The following is an entry in ClinVar:

NM_138713.4(NFAT5):c.2694GCA[4] (p.Gln905_Gln906del)

Gene: NFAT5 (nuclear factor of activated T cells 5; plus strand). Cytogenetic location: 16q22.1.
Variant type: Microsatellite.
Coding change: c.2694GCA[4] on transcript NM_138713.4 (MANE Select); four copies in a row of the 3-base unit GCA starting at c.2694; the reference has six copies in a row; two copies, 6 bases deleted.
Protein change: p.Gln905_Gln906del.
Molecular consequence: inframe deletion.
Genome position (GRCh38, 1-based): chr16:69,692,531-69,692,536, GCAGCA deleted; deleting any 6 consecutive bases within chr16:69,692,517-69,692,536 gives the same sequence; the position shown is the placement nearest the transcript's 3' end. VCF-style (leftmost placement, unchanged base first): chr16-69692516-ACAGCAG-A. GRCh37 (hg19) VCF-style: chr16-69726419-ACAGCAG-A.
Other names: c.2691GCA[4], p.Gln904_Gln905del (NM_001113178.3); c.2019GCA[4], p.Gln680_Gln681del (NM_001367709.1); c.2640GCA[4], p.Gln887_Gln888del (NM_006599.4); c.2412GCA[4], p.Gln811_Gln812del (NM_138714.4, NM_173214.3, NM_173215.3).
Identifiers: ClinVar variation 2901375 (VCV002901375.3), dbSNP rs369235958, ClinGen allele CA8135796.
Genomic context (GRCh38, chr16:69,692,516, plus strand): 5'-TTTATTACCTGGAAGAGCTGAAAGTGTTCATCCACAGTCTGAAAACACGTTATCTAATCA[ACAGCAG>A]CAGCAGCAGCAGCAACAGCAAGTGATGGAATCTTCAGCCGCAATGGTGATGGAGATGCAA-3'

ClinVar aggregate classification (germline): Uncertain significance (1 of 4 stars; one submission).

Conditions:
Immunodeficiency. Identifiers: MedGen C0021051, MONDO:0021094, HP:0002721.

Submission:

Labcorp Genetics (formerly Invitae), Labcorp
Classification: Uncertain significance for Immunodeficiency. Last evaluated: 2025-02-16. Review status: criteria provided, single submitter. Criteria: Invitae Variant Classification Sherloc (09022015). Collection method: clinical testing. Allele origin: germline.
Comment: This variant, c.2424_2429del, results in the deletion of 2 amino acid(s) of the NFAT5 protein (p.Gln811_Gln812del), but otherwise preserves the integrity of the reading frame. This variant is not present in population databases (gnomAD no frequency). This variant has not been reported in the literature in individuals affected with NFAT5-related conditions. Experimental studies and prediction algorithms are not available or were not evaluated, and the functional significance of this variant is currently unknown. In summary, the available evidence is currently insufficient to determine the role of this variant in disease. Therefore, it has been classified as a Variant of Uncertain Significance.